The following is an entry in ClinVar:

NM_000170.3(GLDC):c.832G>A (p.Glu278Lys)

Gene: GLDC (glycine decarboxylase; minus strand). Cytogenetic location: 9p24.1.
Variant type: single nucleotide variant.
Coding change: c.832G>A on transcript NM_000170.3 (MANE Select); coding-DNA position 832, G replaced by A.
Protein change: p.Glu278Lys; replaces glutamic acid 278 with lysine.
Molecular consequence: missense variant.
Genome position (GRCh38, 1-based): chr9:6,605,160, C>T on the plus strand (G>A on the coding strand, the complement: GLDC is on the minus strand). VCF-style: chr9-6605160-C-T. GRCh37 (hg19) VCF-style: chr9-6605160-C-T.
Other names: short protein forms E278K.
Identifiers: ClinVar variation 1484615 (VCV001484615.6), dbSNP rs779837711, ClinGen allele CA4980973.

ClinVar aggregate classification (germline): Uncertain significance. Review status: criteria provided, multiple submitters, no conflicts (2 of 4 stars). 2 submissions from 2 submitters: Uncertain significance (2). Last evaluated 2022-11-22.

Conditions:
Glycine encephalopathy. Also called: Non-ketotic hyperglycinemia; Nonketotic hyperglycinemia. Identifiers: Orphanet 407, MedGen C0751748, MONDO:0011612, HP:0008288.

Allele frequency attached by ClinVar (database versions not stated): ExAC 0.00003; gnomAD exomes 0.00003; gnomAD 0.00007 and 0.00008; TOPMed 0.00007.
gnomAD v4.1: 22 of 1,613,018 alleles (0.0014%); highest among the groups gnomAD compares: African/African-American, 0.029%; no homozygotes.

Submissions (2):

GeneDx
Classification: Uncertain significance. Last evaluated: 2022-11-22. Review status: criteria provided, single submitter. Criteria: GeneDx Variant Classification Process June 2021. Collection method: clinical testing. Allele origin: germline. Affected: yes.
Comment: In silico analysis supports that this missense variant does not alter protein structure/function; Has not been previously published as pathogenic or benign to our knowledge

Labcorp Genetics (formerly Invitae), Labcorp
Classification: Uncertain significance for Glycine encephalopathy. Last evaluated: 2022-07-05. Review status: criteria provided, single submitter. Criteria: Invitae Variant Classification Sherloc (09022015). Collection method: clinical testing. Allele origin: germline.
Comment: This sequence change replaces glutamic acid, which is acidic and polar, with lysine, which is basic and polar, at codon 278 of the GLDC protein (p.Glu278Lys). This variant is present in population databases (rs779837711, gnomAD 0.03%). This variant has not been reported in the literature in individuals affected with GLDC-related conditions. ClinVar contains an entry for this variant (Variation ID: 1484615). Advanced modeling of protein sequence and biophysical properties (such as structural, functional, and spatial information, amino acid conservation, physicochemical variation, residue mobility, and thermodynamic stability) performed at Invitae indicates that this missense variant is not expected to disrupt GLDC protein function. In summary, the available evidence is currently insufficient to determine the role of this variant in disease. Therefore, it has been classified as a Variant of Uncertain Significance.